The following is an entry in ClinVar:

ClinVar aggregate classification (germline): Uncertain significance. Review status: criteria provided, multiple submitters, no conflicts (2 of 4 stars). 3 submissions from 3 submitters: Uncertain significance (3). Last evaluated 2026-06-16.

Allele frequency attached by ClinVar (database versions not stated): gnomAD 0.00001; TOPMed 0.00002.
gnomAD v4.1: 52 of 1,586,108 alleles (0.0033%); highest among the groups gnomAD compares: Non-Finnish European, 0.0042%; no homozygotes.

Submissions (3):

GeneDx
Classification: Uncertain significance. Last evaluated: 2026-06-16. Review status: criteria provided, single submitter. Criteria: GeneDx Variant Classification Process June 2021. Collection method: clinical testing. Allele origin: germline.
Comment: In silico analysis suggests that this missense variant does not alter protein structure/function; Has not been previously published as pathogenic or benign to our knowledge

CeGaT Center for Human Genetics Tuebingen
Classification: Uncertain significance. Last evaluated: 2025-03-01. Review status: criteria provided, single submitter. Criteria: CeGaT Center For Human Genetics Tuebingen Variant Classification Criteria Version 2. Collection method: clinical testing. Allele origin: germline. Affected: yes. Observed: 1 variant allele.
Comment: MYO15A: PM2

Labcorp Genetics (formerly Invitae), Labcorp
Classification: Uncertain significance. Last evaluated: 2023-12-16. Review status: criteria provided, single submitter. Criteria: Invitae Variant Classification Sherloc (09022015). Collection method: clinical testing. Allele origin: germline.
Comment: This sequence change replaces glycine, which is neutral and non-polar, with serine, which is neutral and polar, at codon 623 of the MYO15A protein (p.Gly623Ser). The frequency data for this variant in the population databases is considered unreliable, as metrics indicate poor data quality at this position in the gnomAD database. This variant has not been reported in the literature in individuals affected with MYO15A-related conditions. Advanced modeling of protein sequence and biophysical properties (such as structural, functional, and spatial information, amino acid conservation, physicochemical variation, residue mobility, and thermodynamic stability) performed at Invitae indicates that this missense variant is not expected to disrupt MYO15A protein function with a negative predictive value of 95%. In summary, the available evidence is currently insufficient to determine the role of this variant in disease. Therefore, it has been classified as a Variant of Uncertain Significance.

NM_016239.4(MYO15A):c.1867G>A (p.Gly623Ser)

Gene: MYO15A (myosin XVA; plus strand). Cytogenetic location: 17p11.2.
Variant type: single nucleotide variant.
Coding change: c.1867G>A on transcript NM_016239.4 (MANE Select); coding-DNA position 1867, G replaced by A.
Protein change: p.Gly623Ser; replaces glycine 623 with serine.
Molecular consequence: missense variant.
Genome position (GRCh38, 1-based): chr17:18,120,667, G>A. VCF-style: chr17-18120667-G-A. GRCh37 (hg19) VCF-style: chr17-18023981-G-A.
Other names: c.1867G>A (NM_016239.3); short protein forms G623S.
Identifiers: ClinVar variation 2970217 (VCV002970217.12), dbSNP rs1350627694, ClinGen allele CA398580188.